The following is an entry in ClinVar:

ClinVar aggregate classification (germline): Likely benign. Review status: criteria provided, multiple submitters, no conflicts (2 of 4 stars). 2 submissions from 2 submitters: Likely benign (2). Last evaluated 2020-12-04.

Allele frequency attached by ClinVar (database versions not stated): TOPMed 0.03680; 1000 Genomes Project 0.03714.

Submissions (2):

GeneDx
Classification: Likely benign. Last evaluated: 2020-12-04. Review status: criteria provided, single submitter. Criteria: GeneDx Variant Classification Process June 2021. Collection method: clinical testing. Allele origin: germline. Affected: yes.
Comment: This variant is associated with the following publications: (PMID: 14569275)

Breakthrough Genomics
Classification: Likely benign. Review status: criteria provided, single submitter. Criteria: ACMG Guidelines, 2015. Collection method: not provided. Allele origin: germline. Inheritance: Unknown mechanism. Affected: yes.

NC_000015.10:g.32030401G>C

Gene: CHRNA7 (cholinergic receptor nicotinic alpha 7 subunit). Cytogenetic location: 15q13.3.
Variant type: single nucleotide variant.
Genome position: GRCh38 VCF-style: chr15-32030401-G-C. GRCh37 (hg19) VCF-style: chr15-32322604-G-C.
Identifiers: ClinVar variation 1208572 (VCV001208572.5), dbSNP rs28531779, ClinGen allele CA268553611.